The following is an entry in ClinVar:

ClinVar aggregate classification (germline): Conflicting classifications of pathogenicity. Review status: criteria provided, conflicting classifications (1 of 4 stars). 4 submissions from 4 submitters: Uncertain significance (2); Likely benign (2). Last evaluated 2024-10-17.

Conditions:
Inborn genetic diseases. Identifiers: MedGen C0950123, MeSH D030342.
ROBO3-related disorder. Also called: ROBO3-related condition.

Allele frequency attached by ClinVar (database versions not stated): gnomAD exomes 0.00007 and 0.00014; ExAC 0.00032; ESP Exome Variant Server 0.00058; 1000 Genomes Project 0.00060; gnomAD 0.00075 and 0.00081; 1000 Genomes Project 30x 0.00078; TOPMed 0.00080.

Submissions (4):

PreventionGenetics, part of Exact Sciences
Classification: Likely benign for ROBO3-related condition. Last evaluated: 2024-10-17. Review status: criteria provided, single submitter. Criteria: ACMG Guidelines, 2015. Collection method: clinical testing. Allele origin: germline.
Comment: This variant is classified as likely benign based on ACMG/AMP sequence variant interpretation guidelines (Richards et al. 2015 PMID: 25741868, with internal and published modifications).

Ambry Genetics
Classification: Likely benign for Inborn genetic diseases. Last evaluated: 2024-10-08. Review status: criteria provided, single submitter. Criteria: Ambry Variant Classification Scheme 2023. Collection method: clinical testing. Allele origin: germline.

Blueprint Genetics
Classification: Uncertain significance. Last evaluated: 2022-09-07. Review status: criteria provided, single submitter. Criteria: ACMG Guidelines, 2015. Collection method: clinical testing. Allele origin: germline.

Institute for Clinical Genetics, University Hospital TU Dresden, University Hospital TU Dresden
Classification: Uncertain significance. Last evaluated: 2021-11-03. Review status: criteria provided, single submitter. Criteria: ACMG Guidelines, 2015. Collection method: clinical testing. Allele origin: germline.

NM_022370.4(ROBO3):c.3581T>C (p.Met1194Thr)

Gene: ROBO3 (roundabout guidance receptor 3; plus strand). Cytogenetic location: 11q24.2.
Variant type: single nucleotide variant.
Coding change: c.3581T>C on transcript NM_022370.4 (MANE Select); coding-DNA position 3581, T replaced by C.
Protein change: p.Met1194Thr; replaces methionine 1194 with threonine.
Molecular consequence: missense variant. On other transcripts: non-coding transcript variant (7).
Genome position (GRCh38, 1-based): chr11:124,879,237, T>C. VCF-style: chr11-124879237-T-C. GRCh37 (hg19) VCF-style: chr11-124749133-T-C.
Other names: c.728T>C, p.Met243Thr (NM_001370356.1, NM_001370357.1, NM_001370358.1 and 2 more transcripts); c.533T>C, p.Met178Thr (NM_001370364.1, NM_001370366.1); short protein forms M1194T, M178T, M243T.
Identifiers: ClinVar variation 1319648 (VCV001319648.6), dbSNP rs201800537, ClinGen allele CA6344197.